The following is an entry in ClinVar:

NM_007186.6(CEP250):c.4253C>G (p.Ala1418Gly)

Gene: CEP250 (centrosomal protein 250; plus strand). Cytogenetic location: 20q11.22.
Variant type: single nucleotide variant.
Coding change: c.4253C>G on transcript NM_007186.6 (MANE Select); coding-DNA position 4253, C replaced by G.
Protein change: p.Ala1418Gly; replaces alanine 1418 with glycine.
Molecular consequence: missense variant.
Genome position (GRCh38, 1-based): chr20:35,502,622, C>G. VCF-style: chr20-35502622-C-G. GRCh37 (hg19) VCF-style: chr20-34090450-C-G.
Other names: c.2357C>G, p.Ala786Gly (NM_001318219.1); short protein forms A1418G, A786G.
Identifiers: ClinVar variation 1954654 (VCV001954654.5), dbSNP rs2064042777, ClinGen allele CA408747790.

ClinVar aggregate classification (germline): Uncertain significance (1 of 4 stars; one submission).

Submission:

Labcorp Genetics (formerly Invitae), Labcorp
Classification: Uncertain significance. Last evaluated: 2024-10-26. Review status: criteria provided, single submitter. Criteria: Invitae Variant Classification Sherloc (09022015). Collection method: clinical testing. Allele origin: germline.
Comment: This sequence change replaces alanine, which is neutral and non-polar, with glycine, which is neutral and non-polar, at codon 1418 of the CEP250 protein (p.Ala1418Gly). This variant is not present in population databases (gnomAD no frequency). This variant has not been reported in the literature in individuals affected with CEP250-related conditions. ClinVar contains an entry for this variant (Variation ID: 1954654). An algorithm developed to predict the effect of missense changes on protein structure and function (PolyPhen-2) suggests that this variant is likely to be disruptive. In summary, the available evidence is currently insufficient to determine the role of this variant in disease. Therefore, it has been classified as a Variant of Uncertain Significance.